The following is an entry in ClinVar:

ClinVar aggregate classification (germline): Pathogenic (1 of 4 stars; one submission).

Conditions:
Telangiectasia, hereditary hemorrhagic, type 2 (HHT2). Also called: Telangiectasia, hereditary hemorrhagic, type II; ACVRL1-Related Hereditary Hemorrhagic Telangiectasia. Identifiers: Orphanet 774, MedGen C1838163, MONDO:0010880, OMIM 600376. Disease mechanism: loss of function.

Submission:

Labcorp Genetics (formerly Invitae), Labcorp
Classification: Pathogenic for Telangiectasia, hereditary hemorrhagic, type 2. Last evaluated: 2019-01-03. Review status: criteria provided, single submitter. Criteria: Invitae Variant Classification Sherloc (09022015). Collection method: clinical testing. Allele origin: germline.
Comment: For these reasons, this variant has been classified as Pathogenic. Loss-of-function variants in ACVRL1 are known to be pathogenic (PMID: 15879500). This variant has not been reported in the literature in individuals with ACVRL1-related conditions. This variant is not present in population databases (ExAC no frequency). This sequence change creates a premature translational stop signal (p.Arg80Alafs*42) in the ACVRL1 gene. It is expected to result in an absent or disrupted protein product.

Literature cited by the submitters: PubMed 15879500.

NM_000020.3(ACVRL1):c.237del (p.Arg80fs)

Gene: ACVRL1 (activin A receptor like type 1; plus strand). Cytogenetic location: 12q13.13.
Variant type: Deletion.
Coding change: c.237del on transcript NM_000020.3 (MANE Select); coding-DNA position 237, one base deleted (G; older notation c.237delG).
Protein change: p.Arg80fs; shifts the reading frame from arginine 80.
Molecular consequence: frameshift variant.
Genome position (GRCh38, 1-based): chr12:51,913,274, G deleted; the last of 5 consecutive G bases (chr12:51,913,270-51,913,274); deleting any one gives the same sequence. VCF-style (leftmost placement, unchanged base first): chr12-51913269-AG-A. GRCh37 (hg19) VCF-style: chr12-52307053-AG-A.
Other names: c.237del, p.Arg80fs (NM_001077401.2); short protein forms R80fs.
Identifiers: ClinVar variation 838856 (VCV000838856.7), dbSNP rs1592221830, ClinGen allele CA916081666.
Genomic context (GRCh38, chr12:51,913,269, plus strand): 5'-GAGGAGGGGAGGCACCCCCAGGAACATCGGGGCTGCGGGAACTTGCACAGGGAGCTCTGC[AG>A]GGGGCGCCCCACCGAGTTCGTCAACCACTACTGCTGCGACAGCCACCTCTGCAACCACAA-3'